The following is an entry in ClinVar:

NM_000083.3(CLCN1):c.501C>G (p.Phe167Leu)

Gene: CLCN1 (chloride voltage-gated channel 1; plus strand). Cytogenetic location: 7q34.
Variant type: single nucleotide variant.
Coding change: c.501C>G on transcript NM_000083.3 (MANE Select); coding-DNA position 501, C replaced by G.
Protein change: p.Phe167Leu; replaces phenylalanine 167 with leucine.
Molecular consequence: missense variant. On other transcripts: non-coding transcript variant (1).
Genome position (GRCh38, 1-based): chr7:143,321,432, C>G. VCF-style: chr7-143321432-C-G. GRCh37 (hg19) VCF-style: chr7-143018525-C-G.
Other names: short protein forms F167L.
Identifiers: ClinVar variation 209138 (VCV000209138.87), dbSNP rs149729531, ClinGen allele CA276129.

ClinVar aggregate classification (germline): Conflicting classifications of pathogenicity. Review status: criteria provided, conflicting classifications (1 of 4 stars). 24 submissions from 23 submitters: Pathogenic (4); Likely pathogenic (3); Uncertain significance (14); Likely benign (1). 2 of the submissions do not count toward it. Last evaluated 2026-07-01.

Conditions:
Skeletal muscle channelopathy.
Congenital myotonia, autosomal recessive form. Also called: BECKER DISEASE; myotonia congenita, autosomal recessive; Becker Generalized Myotonia. Identifiers: Orphanet 614, MedGen C0751360, MONDO:0009715, OMIM 255700.
Congenital myotonia, autosomal dominant form (THD). Also called: Myotonia congenita autosomal dominant; THOMSEN DISEASE. Identifiers: Orphanet 614, MedGen C2936781, MONDO:0008055, OMIM 160800.
Tip-toe gait. Also called: Toe walking. Identifiers: MedGen C0427144, HP:0030051.
Myotonia. Identifiers: MedGen C0700153, HP:0002486.

Allele frequency attached by ClinVar (database versions not stated): 1000 Genomes Project 0.00080; gnomAD exomes 0.00082 and 0.00117; TOPMed 0.00100; gnomAD 0.00075; 1000 Genomes Project 30x 0.00078; ExAC 0.00109; ESP Exome Variant Server 0.00138.
gnomAD v4.1: 1,383 of 1,614,204 alleles (0.086%); highest among the groups gnomAD compares: Middle Eastern, 0.54%; 5 homozygotes.

Submissions 1 to 11 of 24:

CeGaT Center for Human Genetics Tuebingen
Classification: Uncertain significance. Last evaluated: 2026-07-01. Review status: criteria provided, single submitter. Criteria: CeGaT Center For Human Genetics Tuebingen Variant Classification Criteria Version 2. Collection method: clinical testing. Allele origin: germline. Affected: yes. Observed: 9 variant alleles.
Comment: CLCN1: PM2, PM3

Genetics Laboratory, Great Ormond Street Hospital NHS Foundation Trust, North Thames Genomic Laboratory Hub
Classification: Pathogenic for Skeletal muscle channelopathy. Last evaluated: 2026-04-25. Review status: criteria provided, single submitter. Criteria: ACGS Best Practice Guidelines for Variant Classification in Rare Disease 2024 v1.2. Collection method: clinical testing. Allele origin: germline. Affected: yes.
Comment: PS3_strong, PM3_very-strong

Women's Health and Genetics/Laboratory Corporation of America, LabCorp
Classification: Uncertain significance. Last evaluated: 2026-02-02. Review status: criteria provided, single submitter. Criteria: LabCorp Variant Classification Summary - May 2015. Collection method: clinical testing. Allele origin: germline.
Comment: Variant summary: CLCN1 c.501C>G (p.Phe167Leu) results in a non-conservative amino acid change in the encoded protein sequence. Algorithms developed to predict the effect of missense changes on protein structure and function are either unavailable or do not agree on the potential impact of this missense change. The variant allele was found at a frequency of 0.0012 in 251484 control chromosomes. This frequency is not significantly higher than estimated for disease-causing variants in CLCN1, allowing no conclusion about variant significance. c.501C>G has been observed in compound heterozygous individuals affected with autosomal recessive Myotonia congenita (e.g., Gorukmez_2023, Bozovic_2021, Suetterlin_2022, Vereb_2020). It has also been reported in heterozygous individuals with autosomal dominant Myotonia congenita and often along with a pathogenic variant from another gene that may fully explain the phenotype (Peddareddygari_2016, Maggi_2017), as well as in homozygous individuals with a likely pathogenic variant in cis (Marinakis_2024). These reports do not provide unequivocal conclusions about association of the variant with Myotonia congenita. Several publications report experimental evidence evaluating an impact on protein function. These results showed no damaging or only marginal effect of this variant on the electrophysiological metrics of CLCN1 in whole-cell patch clamping studies in HEK293T cells or in xenopus oocytes (Desaphy_2013, Zhang_2000, Suetterlin_2022). The following publications have been ascertained in the context of this evaluation (PMID: 34106991, 23933576, 28993909, 27266866, 34529042, 10690989, 36964972, 38855810). ClinVar contains an entry for this variant (Variation ID: 209138). Based on the evidence outlined above, the variant was classified as uncertain significance.

Labcorp Genetics (formerly Invitae), Labcorp
Classification: Uncertain significance for Congenital myotonia, autosomal recessive form; Congenital myotonia, autosomal dominant form. Last evaluated: 2026-02-01. Review status: criteria provided, single submitter. Criteria: Invitae Variant Classification Sherloc (09022015). Collection method: clinical testing. Allele origin: germline.
Comment: This sequence change replaces phenylalanine, which is neutral and non-polar, with leucine, which is neutral and non-polar, at codon 167 of the CLCN1 protein (p.Phe167Leu). This variant is present in population databases (rs149729531, gnomAD 0.8%), and has an allele count higher than expected for a pathogenic variant. This missense change has been observed in individual(s) with autosomal recessive myotonia congenita (Becker disease), and often co-occurs (likely on the same chromosome) with p.Arg105Cys (PMID: 17654559, 18337730, 21221019, 22094069, 22521272, 22641783, 23113340, 23739125, 24037712, 24304580, 24349310, 24452722, 27199537). It has also been observed to segregate with disease in related individuals. ClinVar contains an entry for this variant (Variation ID: 209138). Invitae Evidence Modeling of protein sequence and biophysical properties (such as structural, functional, and spatial information, amino acid conservation, physicochemical variation, residue mobility, and thermodynamic stability) has been performed for this missense variant. However, the output from this modeling did not meet the statistical confidence thresholds required to predict the impact of this variant on CLCN1 protein function. Experimental studies are conflicting or provide insufficient evidence to determine the effect of this variant on CLCN1 function (PMID: 10690989, 23933576, 24304580, 26510092). In summary, the available evidence is currently insufficient to determine the role of this variant in disease. Therefore, it has been classified as a Variant of Uncertain Significance.

Clinical Genetics Laboratory, University Hospital Schleswig-Holstein
Classification: Uncertain significance for Congenital myotonia, autosomal dominant form; Congenital myotonia, autosomal recessive form. Last evaluated: 2025-10-14. Review status: criteria provided, single submitter. Criteria: ACMG Guidelines, 2015. Collection method: clinical testing. Allele origin: germline. Affected: yes. Observed: 1 heterozygote.
Comment: ACMG criteria applied: PS4_Supporting,PM3

3billion
Classification: Uncertain significance for Congenital myotonia, autosomal recessive form. Last evaluated: 2025-08-26. Review status: criteria provided, single submitter. Criteria: ACMG Guidelines, 2015. Collection method: clinical testing. Allele origin: germline. Affected: yes.
Comment: The variant is observed at an extremely low frequency in the gnomAD v4.1.0 dataset (total allele frequency: 0.086%). Predicted Consequence/Location: Missense variant Damaging effect on gene or gene product predicted by in silico programs is uncertain [REVEL: 0.58 (damaging >=0.6, benign <0.4), 3Cnet: 0.46 (damaging >0.75, benign <0.1)]. The same nucleotide change resulting in the same amino acid change has been previously reported as pathogenic/likely pathogenic with strong evidence (ClinVar ID: VCV000209138 /PMID: 7874130). Therefore, this variant is classified as VUS according to the recommendation of ACMG/AMP guideline.

Athena Diagnostics
Classification: Uncertain significance. Last evaluated: 2025-07-02. Review status: criteria provided, single submitter. Criteria: Athena Diagnostics Criteria. Collection method: clinical testing. Allele origin: unknown.
Comment: Available data are insufficient to determine the clinical significance of the variant at this time. The frequency of this variant in the general population is higher than would generally be expected for pathogenic variants in this gene. This variant is statistically more frequent in affected individuals than in the general population and/or healthy controls, even though its frequency in the general population is higher than would generally be expected for pathogenic variants in this gene. In multiple individuals, this variant has been seen with a single recessive pathogenic variant in the same gene, suggesting this variant may also be pathogenic (PMID: 17654559, 18337730, 21221019, 22094069, 23739125, 24452722). Nonetheless, it has also been seen in individuals where an alternate explanation for disease was identified (PMID: 31544778, internal data) and detected as homozygous in reportedly asymptomatic individuals (PMID: 27884173). Assessment of experimental evidence regarding the effect of this variant on protein function is inconclusive. Some studies suggest a mild effect on protein function (PMID: 10690989, 24304580), while others did not observe an effect (PMID: 23933576, 26510092). Polyphen and MutationTaster yielded discordant predictions regarding whether this amino acid change is damaging to the protein.

First Genomix Gene Laboratory, Genetic Diagnostics Department
Classification: Pathogenic for Congenital myotonia, autosomal recessive form. Last evaluated: 2025-03-19. Review status: criteria provided, single submitter. Criteria: ACMG Guidelines, 2015. Collection method: clinical testing. Allele origin: germline. Inheritance: Autosomal recessive inheritance. Affected: no. Observed: 1 variant allele.

Revvity Omics, Revvity
Classification: Uncertain significance. Last evaluated: 2025-02-05. Review status: criteria provided, single submitter. Criteria: ACMG Guidelines, 2015. Collection method: clinical testing. Allele origin: germline.

Blueprint Genetics
Classification: Uncertain significance. Last evaluated: 2024-11-22. Review status: criteria provided, single submitter. Criteria: ACMG Guidelines, 2015. Collection method: clinical testing. Allele origin: germline.

GeneDx
Classification: Likely benign. Last evaluated: 2024-11-04. Review status: criteria provided, single submitter. Criteria: GeneDx Variant Classification Process June 2021. Collection method: clinical testing. Allele origin: germline. Affected: yes.
Comment: See Variant Classification Assertion Criteria.